The following is an entry in ClinVar:

ClinVar aggregate classification (germline): Uncertain significance. Review status: criteria provided, multiple submitters, no conflicts (2 of 4 stars). 2 submissions from 2 submitters: Uncertain significance (2). Last evaluated 2025-03-27.

Conditions:
Inborn genetic diseases. Identifiers: MedGen C0950123, MeSH D030342.

Allele frequency attached by ClinVar (database versions not stated): gnomAD exomes below 0.00001; ExAC 0.00001; gnomAD 0.00001; TOPMed 0.00001; ESP Exome Variant Server 0.00008.
gnomAD v4.1: 5 of 1,588,150 alleles (0.00031%); highest among the groups gnomAD compares: Admixed American, 0.0083%; no homozygotes.

Submissions (2):

Ambry Genetics
Classification: Uncertain significance for Inborn genetic diseases. Last evaluated: 2025-03-27. Review status: criteria provided, single submitter. Criteria: Ambry Variant Classification Scheme 2023. Collection method: clinical testing. Allele origin: germline.

Labcorp Genetics (formerly Invitae), Labcorp
Classification: Uncertain significance. Last evaluated: 2023-11-27. Review status: criteria provided, single submitter. Criteria: Invitae Variant Classification Sherloc (09022015). Collection method: clinical testing. Allele origin: germline.
Comment: This sequence change replaces isoleucine, which is neutral and non-polar, with valine, which is neutral and non-polar, at codon 2000 of the LAMA1 protein (p.Ile2000Val). This variant is present in population databases (rs138747833, gnomAD 0.01%). This variant has not been reported in the literature in individuals affected with LAMA1-related conditions. ClinVar contains an entry for this variant (Variation ID: 1898579). Advanced modeling of protein sequence and biophysical properties (such as structural, functional, and spatial information, amino acid conservation, physicochemical variation, residue mobility, and thermodynamic stability) performed at Invitae indicates that this missense variant is not expected to disrupt LAMA1 protein function with a negative predictive value of 80%. In summary, the available evidence is currently insufficient to determine the role of this variant in disease. Therefore, it has been classified as a Variant of Uncertain Significance.

NM_005559.4(LAMA1):c.5998A>G (p.Ile2000Val)

Gene: LAMA1 (laminin subunit alpha 1; minus strand). Cytogenetic location: 18p11.31.
Variant type: single nucleotide variant.
Coding change: c.5998A>G on transcript NM_005559.4 (MANE Select); coding-DNA position 5998, A replaced by G.
Protein change: p.Ile2000Val; replaces isoleucine 2000 with valine.
Molecular consequence: missense variant.
Genome position (GRCh38, 1-based): chr18:6,980,530, T>C on the plus strand (A>G on the coding strand, the complement: LAMA1 is on the minus strand). VCF-style: chr18-6980530-T-C. GRCh37 (hg19) VCF-style: chr18-6980529-T-C.
Other names: c.5998A>G (NM_005559.3); short protein forms I2000V.
Identifiers: ClinVar variation 1898579 (VCV001898579.6), dbSNP rs138747833, ClinGen allele CA8881402.